The following is an entry in ClinVar:

NM_001080.3(ALDH5A1):c.291G>C (p.Glu97Asp)

Genes: ALDH5A1 (aldehyde dehydrogenase 5 family member A1; plus strand), GPLD1 (glycosylphosphatidylinositol specific phospholipase D1; minus strand), LOC129995978 (ATAC-STARR-seq lymphoblastoid silent region 16989; plus strand). Cytogenetic location: 6p22.3.
Variant type: single nucleotide variant.
Coding change: c.291G>C on transcript NM_001080.3 (MANE Select); coding-DNA position 291, G replaced by C.
Protein change: p.Glu97Asp; replaces glutamic acid 97 with aspartic acid.
Molecular consequence: missense variant.
Genome position (GRCh38, 1-based): chr6:24,495,287, G>C. VCF-style: chr6-24495287-G-C. GRCh37 (hg19) VCF-style: chr6-24495515-G-C.
Other names: c.291G>C, p.Glu97Asp (NM_001368954.1, NM_170740.1); short protein forms E97D.
Identifiers: ClinVar variation 640247 (VCV000640247.9), dbSNP rs973569793, ClinGen allele CA362968614.

ClinVar aggregate classification (germline): Uncertain significance (1 of 4 stars; one submission).

Conditions:
Succinate-semialdehyde dehydrogenase deficiency (SSADHD). Also called: SSADH DEFICIENCY; 4-HYDROXYBUTYRIC ACIDURIA; GABA METABOLIC DEFECT; Succinic Semialdehyde Dehydrogenase Deficiency. Identifiers: Orphanet 22, MedGen C0268631, MONDO:0010083, OMIM 271980.

gnomAD v4.1: 7 of 1,532,572 alleles (0.00046%); highest among the groups gnomAD compares: Middle Eastern, 0.022%; no homozygotes.

Submission:

Labcorp Genetics (formerly Invitae), Labcorp
Classification: Uncertain significance for Succinate-semialdehyde dehydrogenase deficiency. Last evaluated: 2018-10-03. Review status: criteria provided, single submitter. Criteria: Invitae Variant Classification Sherloc (09022015). Collection method: clinical testing. Allele origin: germline.
Comment: In summary, the available evidence is currently insufficient to determine the role of this variant in disease. Therefore, it has been classified as a Variant of Uncertain Significance. Algorithms developed to predict the effect of missense changes on protein structure and function (SIFT, PolyPhen-2, Align-GVGD) all suggest that this variant is likely to be tolerated, but these predictions have not been confirmed by published functional studies and their clinical significance is uncertain. This variant has not been reported in the literature in individuals with ALDH5A1-related disease. The frequency data for this variant in the population databases is considered unreliable, as metrics indicate insufficient coverage at this position in the ExAC database. This sequence change replaces glutamic acid with aspartic acid at codon 97 of the ALDH5A1 protein (p.Glu97Asp). The glutamic acid residue is moderately conserved and there is a small physicochemical difference between glutamic acid and aspartic acid.